The following is an entry in ClinVar:

NM_000632.4(ITGAM):c.28+5A>C

Gene: ITGAM (integrin subunit alpha M; plus strand). Cytogenetic location: 16p11.2.
Variant type: single nucleotide variant.
Coding change: c.28+5A>C on transcript NM_000632.4 (MANE Select); 5 bases into the intron after coding-DNA position 28, A replaced by C.
Molecular consequence: intron variant.
Genome position (GRCh38, 1-based): chr16:31,260,097, A>C. VCF-style: chr16-31260097-A-C. GRCh37 (hg19) VCF-style: chr16-31271418-A-C.
Other names: c.28+5A>C (NM_001145808.2).
Identifiers: ClinVar variation 1434930 (VCV001434930.9), dbSNP rs532911035, ClinGen allele CA8025082.

ClinVar aggregate classification (germline): Conflicting classifications of pathogenicity. Review status: criteria provided, conflicting classifications (1 of 4 stars). 3 submissions from 3 submitters: Uncertain significance (2); Likely benign (1). Last evaluated 2026-04-01.

gnomAD v4.1: 30 of 521,898 alleles (0.0057%); highest among the groups gnomAD compares: Middle Eastern, 0.41%; no homozygotes.

Submissions (3):

CeGaT Center for Human Genetics Tuebingen
Classification: Likely benign. Last evaluated: 2026-04-01. Review status: criteria provided, single submitter. Criteria: CeGaT Center For Human Genetics Tuebingen Variant Classification Criteria Version 2. Collection method: clinical testing. Allele origin: germline. Affected: yes. Observed: 1 variant allele.
Comment: ITGAM: BP4

Labcorp Genetics (formerly Invitae), Labcorp
Classification: Uncertain significance. Last evaluated: 2025-12-09. Review status: criteria provided, single submitter. Criteria: Invitae Variant Classification Sherloc (09022015). Collection method: clinical testing. Allele origin: germline.
Comment: This sequence change falls in intron 1 of the ITGAM gene. It does not directly change the encoded amino acid sequence of the ITGAM protein. It affects a nucleotide within the consensus splice site. This variant is present in population databases (rs532911035, gnomAD 0.008%). This variant has not been reported in the literature in individuals affected with ITGAM-related conditions. ClinVar contains an entry for this variant (Variation ID: 1434930). Variants that disrupt the consensus splice site are a relatively common cause of aberrant splicing (PMID: 17576681, 9536098). Algorithms developed to predict the effect of sequence changes on RNA splicing suggest that this variant is not likely to affect RNA splicing. In summary, the available evidence is currently insufficient to determine the role of this variant in disease. Therefore, it has been classified as a Variant of Uncertain Significance.

Breakthrough Genomics
Classification: Uncertain significance. Review status: criteria provided, single submitter. Criteria: ACMG Guidelines, 2015. Collection method: not provided. Allele origin: germline. Inheritance: Unknown mechanism. Affected: yes.

Literature cited by the submitters: PubMed 17576681 (cited by Labcorp Genetics (formerly Invitae), Labcorp); PubMed 9536098 (cited by Labcorp Genetics (formerly Invitae), Labcorp).